The following is an entry in ClinVar:

ClinVar aggregate classification (germline): Pathogenic. Review status: criteria provided, single submitter (1 of 4 stars). 2 submissions from 2 submitters: Pathogenic (1). 1 of the submissions does not count toward it. Last evaluated 2021-06-09.

Conditions:
Cerebral arteriopathy, autosomal dominant, with subcortical infarcts and leukoencephalopathy, type 1 (CADASIL1). Also called: CASIL; Cerebral arteriopathy with subcortical infarcts and leukoencephalopathy 1; CADASIL 1; DEMENTIA, HEREDITARY MULTIINFARCT TYPE. Identifiers: Orphanet 136, MedGen C4551768, MONDO:0000914, OMIM 125310.

Submissions (2):

Athena Diagnostics
Classification: Pathogenic. Last evaluated: 2021-06-09. Review status: criteria provided, single submitter. Criteria: Athena Diagnostics Criteria. Collection method: clinical testing. Allele origin: unknown.
Comment: This variant has not been reported in large, multi-ethnic general populations. This variant has been identified in at least one individual with clinical features associated with this gene. This variant alters a critical location within the protein, and is expected to severely affect function and cause disease. Greater than 90% of pathogenic variants identified in NOTCH3 involve the gain or loss of a cysteine residue within the epidermal growth factor (EGF)-like repeat domain.

OMIM
Classification: Pathogenic for CEREBRAL ARTERIOPATHY, AUTOSOMAL DOMINANT, WITH SUBCORTICAL INFARCTS AND LEUKOENCEPHALOPATHY, TYPE 1. Last evaluated: 1997-11-22. Review status: no assertion criteria provided. Collection method: literature only. Allele origin: germline. Not counted in ClinVar's aggregate classification.

Literature cited by the submitters: PubMed 8878478 (cited by Athena Diagnostics and OMIM); PubMed 19174371 (cited by Athena Diagnostics); PubMed 30956055 (cited by Athena Diagnostics); PubMed 28710804 (cited by Athena Diagnostics); PubMed 9388399 (cited by Athena Diagnostics and OMIM).

NM_000435.3(NOTCH3):c.213G>T (p.Trp71Cys)

Gene: NOTCH3 (notch receptor 3; minus strand). Cytogenetic location: 19p13.12.
Variant type: single nucleotide variant.
Coding change: c.213G>T on transcript NM_000435.3 (MANE Select); coding-DNA position 213, G replaced by T.
Protein change: p.Trp71Cys; replaces tryptophan 71 with cysteine.
Molecular consequence: missense variant.
Genome position (GRCh38, 1-based): chr19:15,192,504, C>A on the plus strand (G>T on the coding strand, the complement: NOTCH3 is on the minus strand). VCF-style: chr19-15192504-C-A. GRCh37 (hg19) VCF-style: chr19-15303315-C-A.
Other names: short protein forms W71C.
Identifiers: ClinVar variation 9218 (VCV000009218.3), dbSNP rs28937321, ClinGen allele CA340883.
Genomic context (GRCh38, chr19:15,192,504, plus strand): 5'-ACCACGGCCAGCACAGGGGCCTGAGTGACAGGGGTCCTCCAGCTGACACCGCTCACCCAC[C>A]CAGCCAGGCGGGCACCTGTGGGCAGAGATGGCTTGGTTGGGCAGCACAGGGCAGGATGGC-3'
Protein context (NP_000426.2, residues 61-81): REAACLCPPG[Trp71Cys]VGERCQLEDP